The following is an entry in ClinVar:

ClinVar aggregate classification (germline): Uncertain significance. Review status: criteria provided, multiple submitters, no conflicts (2 of 4 stars). 2 submissions from 2 submitters: Uncertain significance (2). Last evaluated 2026-04-28.

Conditions:
Inborn genetic diseases. Identifiers: MedGen C0950123, MeSH D030342.
Acute myeloid leukemia (AML). Also called: Leukemia, acute myeloid, somatic; Leukemia, acute myelogenous, somatic; Acute myeloid leukemia, adult; AML adult; Acute non-lymphocytic leukemia; Acute granulocytic leukemia. Identifiers: Orphanet 519, MedGen C0023467, MeSH D015470, MONDO:0018874, OMIM 601626, HP:0004808. Disease mechanism: Constitutively activated FLT3.

Submissions (2):

Ambry Genetics
Classification: Uncertain significance for Inborn genetic diseases. Last evaluated: 2026-04-28. Review status: criteria provided, single submitter. Criteria: Ambry Variant Classification Scheme 2023. Collection method: clinical testing. Allele origin: germline.
Comment: The c.310_315dupGGCGAC variant (also known as p.G104_D105dup), located in coding exon 1 of the CEBPA gene, results from an in-frame duplication of GGCGAC at nucleotide positions 310 to 315. This results in the duplication of 2 extra residues (GD) between codons 104 and 105. These amino acid positions are well conserved in available vertebrate species. In addition, this variant is predicted to be neutral by in silico analysis (Choi Y et al. PLoS ONE. 2012; 7(10):e46688). Based on the available evidence, the clinical significance of this variant remains unclear.

Labcorp Genetics (formerly Invitae), Labcorp
Classification: Uncertain significance for Acute myeloid leukemia. Last evaluated: 2021-04-09. Review status: criteria provided, single submitter. Criteria: Invitae Variant Classification Sherloc (09022015). Collection method: clinical testing. Allele origin: germline.
Comment: This variant, c.310_315dup, results in the insertion of 2 amino acid(s) to the CEBPA protein (p.Gly104_Asp105dup), but otherwise preserves the integrity of the reading frame. The frequency data for this variant in the population databases is considered unreliable, as metrics indicate insufficient coverage at this position in the ExAC database. This variant has not been reported in the literature in individuals with CEBPA-related conditions. Experimental studies and prediction algorithms are not available or were not evaluated, and the functional significance of this variant is currently unknown. In summary, the available evidence is currently insufficient to determine the role of this variant in disease. Therefore, it has been classified as a Variant of Uncertain Significance.

NM_004364.5(CEBPA):c.310_315dup (p.Gly104_Asp105dup)

Gene: CEBPA (CCAAT enhancer binding protein alpha; minus strand). Cytogenetic location: 19q13.11.
Variant type: Duplication.
Coding change: c.310_315dup on transcript NM_004364.5 (MANE Select); coding-DNA positions 310 to 315, 6 bases duplicated (GGCGAC; older notation c.310_315dupGGCGAC).
Protein change: p.Gly104_Asp105dup.
Molecular consequence: inframe insertion. On other transcripts: 5 prime UTR variant (1).
Genome position (GRCh38, 1-based): chr19:33,302,100-33,302,105, GTCGCC duplicated on the plus strand (GGCGAC on the coding strand, the reverse complement: CEBPA is on the minus strand); duplicating any 6 consecutive bases within chr19:33,302,100-33,302,106 gives the same sequence; the c. name uses the placement nearest the transcript's 3' end. VCF-style (leftmost placement, unchanged base first): chr19-33302099-A-AGTCGCC. GRCh37 (hg19) VCF-style: chr19-33793005-A-AGTCGCC.
Other names: c.310_315dupGGCGAC (NM_004364.3); c.-48_-43dup (NM_001285829.2); c.415_420dup, p.Gly139_Asp140dup (NM_001287424.2); c.268_273dup, p.Gly90_Asp91dup (NM_001287435.2).
Identifiers: ClinVar variation 1472812 (VCV001472812.10), dbSNP rs1420856782, ClinGen allele CA881589158.